The following is an entry in ClinVar:

NM_172250.3(MMAA):c.388del (p.His130fs)

Gene: MMAA (metabolism of cobalamin associated A; plus strand). Cytogenetic location: 4q31.21.
Variant type: Deletion.
Coding change: c.388del on transcript NM_172250.3 (MANE Select); coding-DNA position 388, one base deleted (C; older notation c.388delC).
Protein change: p.His130fs; shifts the reading frame from histidine 130.
Molecular consequence: frameshift variant.
Genome position (GRCh38, 1-based): chr4:145,639,527, C deleted; the last of 2 consecutive C bases (chr4:145,639,526-145,639,527); deleting either gives the same sequence. VCF-style (leftmost placement, unchanged base first): chr4-145639525-AC-A. GRCh37 (hg19) VCF-style: chr4-146560677-AC-A.
Other names: c.388del, p.His130fs (NM_001375644.1); c.388del (NM_172250.2); short protein forms H130fs.
Identifiers: ClinVar variation 2734674 (VCV002734674.5), dbSNP rs2546335895, ClinGen allele CA2672261785.

ClinVar aggregate classification (germline): Pathogenic. Review status: criteria provided, multiple submitters, no conflicts (2 of 4 stars). 2 submissions from 2 submitters: Pathogenic (2). Last evaluated 2025-08-18.

Conditions:
Methylmalonic aciduria, cblA type (MACA). Also called: Methylmalonic aciduria, vitamin b12-responsive, due to defect in synthesis of adenosylcobalamin, cbla complementation type; MMA cbl A type; Methylmalonic acidemia cblA type; Methylmalonic aciduria, vitamin B12-responsive; Vitamin B12-responsive methylmalonic acidemia type cblA. Identifiers: Orphanet 28, Orphanet 79310, MedGen C1855109, MONDO:0009613, OMIM 251100.

Submissions (2):

Labcorp Genetics (formerly Invitae), Labcorp
Classification: Pathogenic for Methylmalonic aciduria, cblA type. Last evaluated: 2025-08-18. Review status: criteria provided, single submitter. Criteria: Invitae Variant Classification Sherloc (09022015). Collection method: clinical testing. Allele origin: germline.
Comment: This sequence change creates a premature translational stop signal (p.His130Thrfs*13) in the MMAA gene. It is expected to result in an absent or disrupted protein product. Loss-of-function variants in MMAA are known to be pathogenic (PMID: 15523652, 15781192). This variant is not present in population databases (gnomAD no frequency). This premature translational stop signal has been observed in individual(s) with methylmalonic aciduria (PMID: 23026888). This variant is also known as c.387delC. ClinVar contains an entry for this variant (Variation ID: 2734674). For these reasons, this variant has been classified as Pathogenic.

Natera, Inc.
Classification: Pathogenic for Methylmalonic aciduria cblA type. Last evaluated: 2025-01-09. Review status: criteria provided, single submitter. Criteria: Natera Variant Classification Schema (03/2026). Collection method: clinical testing. Allele origin: germline.
Comment: The c.388del variant in MMAA is a frameshift variant predicted to shift the reading frame beginning at codon 130 and leads to a stop codon 13 codons downstream. This variant is expected to result in nonsense mediated decay, truncation, or a dysfunctional protein product. This variant is rare in the general population with a frequency below the threshold expected for the associated phenotype(s). This variant has been observed in one or more individuals affected with the associated recessive disease, as either homozygous or compound heterozygous with a second variant (PMID: 23026888). Given the available evidence, this variant is classified as Pathogenic.

Literature cited by the submitters: PubMed 15523652 (cited by Labcorp Genetics (formerly Invitae), Labcorp); PubMed 15781192 (cited by Labcorp Genetics (formerly Invitae), Labcorp); PubMed 23026888 (cited by Labcorp Genetics (formerly Invitae), Labcorp and Natera, Inc.).